The following is an entry in ClinVar:

NM_054027.6(ANKH):c.1072G>A (p.Gly358Arg)

Gene: ANKH (ANKH inorganic pyrophosphate transport regulator; minus strand). Cytogenetic location: 5p15.2.
Variant type: single nucleotide variant.
Coding change: c.1072G>A on transcript NM_054027.6 (MANE Select); coding-DNA position 1072, G replaced by A.
Protein change: p.Gly358Arg; replaces glycine 358 with arginine.
Molecular consequence: missense variant.
Genome position (GRCh38, 1-based): chr5:14,716,775, C>T on the plus strand (G>A on the coding strand, the complement: ANKH is on the minus strand). VCF-style: chr5-14716775-C-T. GRCh37 (hg19) VCF-style: chr5-14716884-C-T.
Other names: short protein forms G358R.
Identifiers: ClinVar variation 2994529 (VCV002994529.3), dbSNP rs1180480346, ClinGen allele CA359245379.

ClinVar aggregate classification (germline): Uncertain significance (1 of 4 stars; one submission).

Allele frequency attached by ClinVar (database versions not stated): gnomAD exomes below 0.00001; gnomAD 0.00001; TOPMed 0.00001.
gnomAD v4.1: 3 of 1,613,976 alleles (0.00019%); highest among the groups gnomAD compares: African/African-American, 0.0027%; no homozygotes.

Submission:

Labcorp Genetics (formerly Invitae), Labcorp
Classification: Uncertain significance. Last evaluated: 2023-08-20. Review status: criteria provided, single submitter. Criteria: Invitae Variant Classification Sherloc (09022015). Collection method: clinical testing. Allele origin: germline.
Comment: This sequence change replaces glycine, which is neutral and non-polar, with arginine, which is basic and polar, at codon 358 of the ANKH protein (p.Gly358Arg). This variant is not present in population databases (gnomAD no frequency). This variant has not been reported in the literature in individuals affected with ANKH-related conditions. Advanced modeling of protein sequence and biophysical properties (such as structural, functional, and spatial information, amino acid conservation, physicochemical variation, residue mobility, and thermodynamic stability) performed at Invitae indicates that this missense variant is not expected to disrupt ANKH protein function. In summary, the available evidence is currently insufficient to determine the role of this variant in disease. Therefore, it has been classified as a Variant of Uncertain Significance.